The following is an entry in ClinVar:

ClinVar aggregate classification (germline): Conflicting classifications of pathogenicity. Review status: criteria provided, conflicting classifications (1 of 4 stars). 4 submissions from 4 submitters: Uncertain significance (1); Likely benign (2). 1 of the submissions does not count toward it. Last evaluated 2026-02-11.

Conditions:
DNA ligase IV deficiency. Identifiers: Orphanet 99812, MedGen C1847827, MONDO:0011686, OMIM 606593.
LIG4-related disorder. Also called: LIG4-related condition; LIG4-related disorders. Identifiers: MedGen CN239380.

Allele frequency attached by ClinVar (database versions not stated): gnomAD exomes 0.00009 and 0.00025; ExAC 0.00029; 1000 Genomes Project 30x 0.00062; 1000 Genomes Project 0.00080; gnomAD 0.00119 and 0.00131; ESP Exome Variant Server 0.00131; TOPMed 0.00147.
gnomAD v4.1: 322 of 1,614,082 alleles (0.02%); highest among the groups gnomAD compares: African/African-American, 0.39%; no homozygotes.

Submissions (5):

Women's Health and Genetics/Laboratory Corporation of America, LabCorp
Classification: Likely benign. Last evaluated: 2026-02-11. Review status: criteria provided, single submitter. Criteria: LabCorp Variant Classification Summary - May 2015. Collection method: clinical testing. Allele origin: germline.
Comment: Variant summary: LIG4 c.2389G>T (p.Ala797Ser) results in a conservative amino acid change in the encoded protein sequence. Algorithms developed to predict the effect of missense changes on protein structure and function are either unavailable or do not agree on the potential impact of this missense change. The variant allele was found at a frequency of 0.00025 in 251374 control chromosomes, predominantly at a frequency of 0.0035 within the African or African-American subpopulation in the gnomAD database. The observed variant frequency within African or African-American control individuals in the gnomAD database exceeds the estimated maximal expected allele frequency for disease-causing variants in LIG4. To our knowledge, no occurrence of c.2389G>T in individuals affected with LIG4-related conditions and no experimental evidence demonstrating its impact on protein function have been reported. ClinVar contains an entry for this variant (Variation ID: 533825). Based on the evidence outlined above, the variant was classified as likely benign.

Labcorp Genetics (formerly Invitae), Labcorp
Classification: Likely benign for DNA ligase IV deficiency. Last evaluated: 2026-01-20. Review status: criteria provided, single submitter. Criteria: Invitae Variant Classification Sherloc (09022015). Collection method: clinical testing. Allele origin: germline.

Blueprint Genetics
Classification: Uncertain significance. Last evaluated: 2024-07-06. Review status: criteria provided, single submitter. Criteria: ACMG Guidelines, 2015. Collection method: clinical testing. Allele origin: germline.

PreventionGenetics, part of Exact Sciences
Classification: Likely benign for LIG4-related condition. Last evaluated: 2023-10-05. Review status: no assertion criteria provided. Collection method: clinical testing. Allele origin: germline. Not counted in ClinVar's aggregate classification.
Comment: This variant is classified as likely benign based on ACMG/AMP sequence variant interpretation guidelines (Richards et al. 2015 PMID: 25741868, with internal and published modifications).

Dr. Peter K. Rogan Lab, Western University
No classification provided (evidence only). Condition: Acute myeloid leukemia. Review status: no classification provided. Collection method: in vitro. Allele origin: not applicable. Functional consequence: retained intron. Not counted in ClinVar's aggregate classification.

NM_206937.2(LIG4):c.2389G>T (p.Ala797Ser)

Gene: LIG4 (DNA ligase 4; minus strand). Cytogenetic location: 13q33.3.
Variant type: single nucleotide variant.
Coding change: c.2389G>T on transcript NM_206937.2 (MANE Select); coding-DNA position 2389, G replaced by T.
Protein change: p.Ala797Ser; replaces alanine 797 with serine.
Molecular consequence: missense variant.
Genome position (GRCh38, 1-based): chr13:108,208,880, C>A on the plus strand (G>T on the coding strand, the complement: LIG4 is on the minus strand). VCF-style: chr13-108208880-C-A. GRCh37 (hg19) VCF-style: chr13-108861228-C-A.
Other names: c.2389G>T, p.Ala797Ser (NM_001098268.2, NM_001352598.2, NM_001352599.2 and 6 more transcripts); c.2188G>T, p.Ala730Ser (NM_001330595.2); c.2425G>T, p.Ala809Ser (NM_001352604.2); short protein forms A797S, A809S, A730S.
Identifiers: ClinVar variation 533825 (VCV000533825.16), dbSNP rs138936350, ClinGen allele CA7043516.